The following is an entry in ClinVar:

NM_004519.4(KCNQ3):c.1917C>T (p.Leu639=)

Gene: KCNQ3 (potassium voltage-gated channel subfamily Q member 3; minus strand). Cytogenetic location: 8q24.22.
Variant type: single nucleotide variant.
Coding change: c.1917C>T on transcript NM_004519.4 (MANE Select); coding-DNA position 1917, C replaced by T.
Protein change: p.Leu639=; no amino-acid change (leucine 639 retained).
Molecular consequence: synonymous variant.
Genome position (GRCh38, 1-based): chr8:132,129,964, G>A on the plus strand (C>T on the coding strand, the complement: KCNQ3 is on the minus strand). VCF-style: chr8-132129964-G-A. GRCh37 (hg19) VCF-style: chr8-133142211-G-A.
Other names: p.L639L:CTC>CTT; c.1557C>T, p.Leu519= (NM_001204824.2).
Identifiers: ClinVar variation 138046 (VCV000138046.46), dbSNP rs78731303, ClinGen allele CA201212.

ClinVar aggregate classification (germline): Benign/Likely benign. Review status: criteria provided, multiple submitters, no conflicts (2 of 4 stars). 7 submissions from 7 submitters: Benign (5); Likely benign (1). 1 of the submissions does not count toward it. Last evaluated 2026-01-26.

Conditions:
KCNQ3-related disorder. Also called: KCNQ3-Related Disorders; KCNQ3-related condition. Identifiers: MedGen CN381530.
Benign neonatal seizures. Also called: Benign familial neonatal seizures; Benign neonatal familial convulsions; Benign familial neonatal epilepsy; Convulsions benign familial neonatal dominant form; Autosomal dominant form of benign neonatal seizures. Identifiers: Orphanet 1949, MedGen C0220669, MONDO:0016027.
Inborn genetic diseases. Identifiers: MedGen C0950123, MeSH D030342.

Allele frequency attached by ClinVar (database versions not stated): gnomAD exomes 0.00031; ExAC 0.00038; 1000 Genomes Project 0.00120; gnomAD 0.00121 and 0.00131; 1000 Genomes Project 30x 0.00141; TOPMed 0.00143; ESP Exome Variant Server 0.00154.
gnomAD v4.1: 379 of 1,613,910 alleles (0.023%); highest among the groups gnomAD compares: African/African-American, 0.46%; no homozygotes.

Submissions (7):

Labcorp Genetics (formerly Invitae), Labcorp
Classification: Benign for Benign neonatal seizures. Last evaluated: 2026-01-26. Review status: criteria provided, single submitter. Criteria: Invitae Variant Classification Sherloc (09022015). Collection method: clinical testing. Allele origin: germline.

Athena Diagnostics
Classification: Benign. Last evaluated: 2024-08-21. Review status: criteria provided, single submitter. Criteria: Athena Diagnostics Criteria. Collection method: clinical testing. Allele origin: unknown.

CeGaT Center for Human Genetics Tuebingen
Classification: Benign. Last evaluated: 2022-03-01. Review status: criteria provided, single submitter. Criteria: CeGaT Center For Human Genetics Tuebingen Variant Classification Criteria Version 2. Collection method: clinical testing. Allele origin: germline. Affected: yes. Observed: 1 variant allele.
Comment: KCNQ3: BS1, BS2

Ambry Genetics
Classification: Likely benign for Inborn genetic diseases. Last evaluated: 2017-02-06. Review status: criteria provided, single submitter. Criteria: Ambry Variant Classification Scheme 2023. Collection method: clinical testing. Allele origin: germline.

Eurofins Ntd Llc (ga)
Classification: Benign. Last evaluated: 2016-01-07. Review status: criteria provided, single submitter. Criteria: EGL Classification Definitions 2015. Collection method: clinical testing. Allele origin: germline. Observed: 1 variant allele, 1 heterozygote.

GeneDx
Classification: Benign. Last evaluated: 2012-03-22. Review status: criteria provided, single submitter. Criteria: GeneDx Variant Classification (06012015). Collection method: clinical testing. Allele origin: germline. Affected: yes.
Comment: This variant is considered likely benign or benign based on one or more of the following criteria: it is a conservative change, it occurs at a poorly conserved position in the protein, it is predicted to be benign by multiple in silico algorithms, and/or has population frequency not consistent with disease.

PreventionGenetics, part of Exact Sciences
Classification: Benign for KCNQ3-related condition. Last evaluated: 2019-11-07. Review status: no assertion criteria provided. Collection method: clinical testing. Allele origin: germline. Not counted in ClinVar's aggregate classification.
Comment: This variant is classified as benign based on ACMG/AMP sequence variant interpretation guidelines (Richards et al. 2015 PMID: 25741868, with internal and published modifications).